The following is an entry in ClinVar:

ClinVar aggregate classification (germline): Benign. Review status: criteria provided, multiple submitters, no conflicts (2 of 4 stars). 4 submissions from 3 submitters: Benign (4). Last evaluated 2026-02-03.

Conditions:
Hypophosphatemic rickets, autosomal recessive, 2 (ARHR2). Identifiers: Orphanet 289176, MedGen C2750078, MONDO:0013219, OMIM 613312.
Arterial calcification, generalized, of infancy, 1 (GACI1). Also called: Idiopathic Infantile Arterial Calcification. Identifiers: Orphanet 51608, MedGen C4551985, MONDO:0008817, OMIM 208000.

Allele frequency attached by ClinVar (database versions not stated): gnomAD exomes 0.01537 and 0.02041; ExAC 0.02203; 1000 Genomes Project 0.03155; gnomAD 0.03353 and 0.03524; 1000 Genomes Project 30x 0.03467; TOPMed 0.03610; ESP Exome Variant Server 0.03819.
gnomAD v4.1: 25,148 of 1,439,562 alleles (1.7%); highest among the groups gnomAD compares: African/African-American, 8%; 450 homozygotes.

Submissions (4):

Labcorp Genetics (formerly Invitae), Labcorp
Classification: Benign. Last evaluated: 2026-02-03. Review status: criteria provided, single submitter. Criteria: Invitae Variant Classification Sherloc (09022015). Collection method: clinical testing. Allele origin: germline.

GeneDx
Classification: Benign. Last evaluated: 2018-10-24. Review status: criteria provided, single submitter. Criteria: GeneDx Variant Classification Process June 2021. Collection method: clinical testing. Allele origin: germline. Affected: yes.
Comment: This variant is associated with the following publications: (PMID: 11771660, 24222241)

Illumina Laboratory Services, Illumina
Classification: Benign for Arterial calcification, generalized, of infancy, 1. Last evaluated: 2018-03-06. Review status: criteria provided, single submitter. Criteria: ICSL Variant Classification Criteria 13 December 2019. Collection method: clinical testing. Allele origin: germline.
Comment: This variant was observed in the ICSL laboratory as part of a predisposition screen in an ostensibly healthy population. It had not been previously curated by ICSL or reported in the Human Gene Mutation Database (HGMD: prior to June 1st, 2018), and was therefore a candidate for classification through an automated scoring system. Utilizing variant allele frequency, disease prevalence and penetrance estimates, and inheritance mode, an automated score was calculated to assess if this variant is too frequent to cause the disease. Based on the score and internal cut-off values, a variant classified as benign is not then subjected to further curation. The score for this variant resulted in a classification of benign for this disease.

Illumina Laboratory Services, Illumina
Classification: Benign for Hypophosphatemic rickets, autosomal recessive, 2. Last evaluated: 2018-03-06. Review status: criteria provided, single submitter. Criteria: ICSL Variant Classification Criteria 13 December 2019. Collection method: clinical testing. Allele origin: germline.
Comment: the same text as in the submission from Illumina Laboratory Services, Illumina above.

NM_006208.3(ENPP1):c.1566-14T>C

Gene: ENPP1 (ectonucleotide pyrophosphatase/phosphodiesterase 1; plus strand). Cytogenetic location: 6q23.2.
Variant type: single nucleotide variant.
Coding change: c.1566-14T>C on transcript NM_006208.3 (MANE Select); 14 bases into the intron before coding-DNA position 1566, T replaced by C.
Molecular consequence: intron variant.
Genome position (GRCh38, 1-based): chr6:131,874,254, T>C. VCF-style: chr6-131874254-T-C. GRCh37 (hg19) VCF-style: chr6-132195394-T-C.
Identifiers: ClinVar variation 355343 (VCV000355343.14), dbSNP rs75272847, ClinGen allele CA4002256.